The following is an entry in ClinVar:

ClinVar aggregate classification (germline): Pathogenic. Review status: criteria provided, multiple submitters, no conflicts (2 of 4 stars). 2 submissions from 2 submitters: Pathogenic (2). Last evaluated 2026-01-08.

Conditions:
Hereditary cancer-predisposing syndrome. Also called: Neoplastic Syndromes, Hereditary; Hereditary Cancer Syndrome; Tumor predisposition; Hereditary neoplastic syndrome. Identifiers: Orphanet 140162, MedGen C0027672, MeSH D009386, MONDO:0015356.
Rhabdoid tumor predisposition syndrome 2 (RTPS2). Identifiers: Orphanet 231108, Orphanet 69077, MedGen C2750074, MONDO:0013224, OMIM 613325.

Submissions (2):

Labcorp Genetics (formerly Invitae), Labcorp
Classification: Pathogenic for Rhabdoid tumor predisposition syndrome 2. Last evaluated: 2026-01-08. Review status: criteria provided, single submitter. Criteria: Invitae Variant Classification Sherloc (09022015). Collection method: clinical testing. Allele origin: germline.
Comment: This sequence change creates a premature translational stop signal (p.Gln165*) in the SMARCA4 gene. It is expected to result in an absent or disrupted protein product. Loss-of-function variants in SMARCA4 are known to be pathogenic (PMID: 24658001, 24658002). This variant is not present in population databases (gnomAD no frequency). This variant has not been reported in the literature in individuals affected with SMARCA4-related conditions. ClinVar contains an entry for this variant (Variation ID: 574179). For these reasons, this variant has been classified as Pathogenic.

Ambry Genetics
Classification: Pathogenic for Hereditary cancer-predisposing syndrome. Last evaluated: 2025-05-12. Review status: criteria provided, single submitter. Criteria: Ambry Variant Classification Scheme 2023. Collection method: clinical testing. Allele origin: germline.
Comment: The p.Q165* pathogenic mutation (also known as c.493C>T), located in coding exon 3 of the SMARCA4 gene, results from a C to T substitution at nucleotide position 493. This changes the amino acid from a glutamine to a stop codon within coding exon 3. This alteration is expected to result in loss of function by premature protein truncation or nonsense-mediated mRNA decay. Loss-of-function variants in SMARCA4 are known to cause rhabdoid tumor predisposition syndrome including small cell carcinoma of the ovary-hypercalcemic type (SCCOHT); however, such associations with neurodevelopmental disorders are exceedingly rare (Kosho T et al. Am J Med Genet C Semin Med Genet. 2014 Sep;166C(3):262-75; Jelinic P et al. Nat Genet. 2014 May;46(5):424-6). Based on the supporting evidence, this alteration is pathogenic for rhabdoid tumor predisposition syndrome; however, the association of this alteration with Coffin-Siris syndrome is unlikely.

Literature cited by the submitters: PubMed 24658001 (cited by Labcorp Genetics (formerly Invitae), Labcorp); PubMed 24658002 (cited by Labcorp Genetics (formerly Invitae), Labcorp).

NM_003072.5(SMARCA4):c.493C>T (p.Gln165Ter)

Gene: SMARCA4 (SWI/SNF related BAF chromatin remodeling complex subunit ATPase 4; plus strand). Cytogenetic location: 19p13.2.
Variant type: single nucleotide variant.
Coding change: c.493C>T on transcript NM_003072.5 (MANE Select); coding-DNA position 493, C replaced by T.
Protein change: p.Gln165Ter; replaces glutamine 165 with a stop codon.
Molecular consequence: nonsense. On other transcripts: non-coding transcript variant (1).
Genome position (GRCh38, 1-based): chr19:10,986,326, C>T. VCF-style: chr19-10986326-C-T. GRCh37 (hg19) VCF-style: chr19-11097002-C-T.
Other names: c.493C>T, p.Gln165Ter (NM_001128844.3, NM_001128845.2, NM_001128846.2 and 5 more transcripts); short protein forms Q165*.
Identifiers: ClinVar variation 574179 (VCV000574179.7), dbSNP rs1568422286, ClinGen allele CA404056138.